The following is an entry in ClinVar:

NM_015656.2(KIF26A):c.4925C>T (p.Pro1642Leu)

Gene: KIF26A (kinesin family member 26A; plus strand). Cytogenetic location: 14q32.33.
Variant type: single nucleotide variant.
Coding change: c.4925C>T on transcript NM_015656.2 (MANE Select); coding-DNA position 4925, C replaced by T.
Protein change: p.Pro1642Leu; replaces proline 1642 with leucine.
Molecular consequence: missense variant.
Genome position (GRCh38, 1-based): chr14:104,177,713, C>T. VCF-style: chr14-104177713-C-T. GRCh37 (hg19) VCF-style: chr14-104644050-C-T.
Other names: short protein forms P1642L.
Identifiers: ClinVar variation 428592 (VCV000428592.2), dbSNP rs779928675.

ClinVar aggregate classification (germline): Uncertain significance (1 of 4 stars; one submission).

Allele frequency attached by ClinVar (database versions not stated): ExAC below 0.00001; gnomAD exomes below 0.00001; gnomAD 0.00001; TOPMed 0.00002.
gnomAD v4.1: 7 of 1,531,970 alleles (0.00046%); highest among the groups gnomAD compares: Non-Finnish European, 0.00052%; no homozygotes.

Submission:

GeneDx
Classification: Uncertain significance. Last evaluated: 2026-02-18. Review status: criteria provided, single submitter. Criteria: GeneDx Variant Classification Process June 2021. Collection method: clinical testing. Allele origin: germline.
Comment: In silico analysis supports that this missense variant has a deleterious effect on protein structure/function; Has not been previously published as pathogenic or benign to our knowledge